The following is an entry in ClinVar:

ClinVar aggregate classification (germline): Pathogenic/Likely pathogenic. Review status: criteria provided, multiple submitters, no conflicts (2 of 4 stars). 2 submissions from 2 submitters: Pathogenic (1); Likely pathogenic (1). Last evaluated 2023-08-25.

Conditions:
Combined oxidative phosphorylation deficiency 39. Identifiers: Orphanet 565624, MedGen C5193075, MONDO:0032726, OMIM 618397.

gnomAD v4.1: 6 of 1,612,838 alleles (0.00037%); highest among the groups gnomAD compares: Non-Finnish European, 0.00042%; no homozygotes.

Submissions (2):

Laboratorio de Genetica e Diagnostico Molecular, Hospital Israelita Albert Einstein
Classification: Likely pathogenic for Combined oxidative phosphorylation deficiency 39. Last evaluated: 2023-08-25. Review status: criteria provided, single submitter. Criteria: ACMG Guidelines, 2015. Collection method: clinical testing. Allele origin: germline. Affected: yes.
Comment: ACMG classification criteria: PVS1 very strong, PM2 moderate

CeGaT Center for Human Genetics Tuebingen
Classification: Pathogenic. Last evaluated: 2020-07-01. Review status: criteria provided, single submitter. Criteria: CeGaT Center For Human Genetics Tuebingen Variant Classification Criteria Version 2. Collection method: clinical testing. Allele origin: germline. Affected: yes. Observed: 2 variant alleles.

NM_032380.5(GFM2):c.1321-1G>A

Gene: GFM2 (GTP dependent ribosome recycling factor mitochondrial GFM2; minus strand). Cytogenetic location: 5q13.3.
Variant type: single nucleotide variant.
Coding change: c.1321-1G>A on transcript NM_032380.5 (MANE Select); the canonical splice acceptor site of the intron before coding-DNA position 1321, G replaced by A.
Molecular consequence: splice acceptor variant.
Genome position (GRCh38, 1-based): chr5:74,736,986, C>T on the plus strand (G>A on the coding strand, the complement: GFM2 is on the minus strand). VCF-style: chr5-74736986-C-T. GRCh37 (hg19) VCF-style: chr5-74032811-C-T.
Other names: c.1180-1G>A (NM_170691.3); c.1417-1G>A (NM_001281302.2); c.1321-1G>A (NM_170681.3).
Identifiers: ClinVar variation 1012511 (VCV001012511.39), dbSNP rs1240552971, ClinGen allele CA360079527.